The following is an entry in ClinVar:

NM_014851.4(KLHL21):c.81G>A (p.Gln27=)

Gene: KLHL21 (kelch like family member 21; minus strand). Cytogenetic location: 1p36.31.
Variant type: single nucleotide variant.
Coding change: c.81G>A on transcript NM_014851.4 (MANE Select); coding-DNA position 81, G replaced by A.
Protein change: p.Gln27=; no amino-acid change (glutamine 27 retained).
Molecular consequence: synonymous variant.
Genome position (GRCh38, 1-based): chr1:6,602,737, C>T on the plus strand (G>A on the coding strand, the complement: KLHL21 is on the minus strand). VCF-style: chr1-6602737-C-T. GRCh37 (hg19) VCF-style: chr1-6662797-C-T.
Other names: c.81G>A, p.Gln27= (NM_001324309.2).
Identifiers: ClinVar variation 3048912 (VCV003048912.2), dbSNP rs754815383, ClinGen allele CA564544.

ClinVar aggregate classification (germline): Likely benign (0 of 4 stars; one submission).

Conditions:
KLHL21-related disorder. Also called: KLHL21-related condition.

Allele frequency attached by ClinVar (database versions not stated): 1000 Genomes Project 30x 0.00031; gnomAD 0.00032; TOPMed 0.00045; ExAC 0.00070.
gnomAD v4.1: 920 of 1,510,752 alleles (0.061%); highest among the groups gnomAD compares: Non-Finnish European, 0.075%; no homozygotes.

Submission:

PreventionGenetics, part of Exact Sciences
Classification: Likely benign for KLHL21-related condition. Last evaluated: 2020-10-21. Review status: no assertion criteria provided. Collection method: clinical testing. Allele origin: germline.
Comment: This variant is classified as likely benign based on ACMG/AMP sequence variant interpretation guidelines (Richards et al. 2015 PMID: 25741868, with internal and published modifications).